The following is an entry in ClinVar:

ClinVar aggregate classification (germline): Conflicting classifications of pathogenicity. Review status: criteria provided, conflicting classifications (1 of 4 stars). 2 submissions from 2 submitters: Uncertain significance (1); Benign (1). Last evaluated 2025-09-01.

Conditions:
Kabuki syndrome. Also called: NIIKAWA-KUROKI SYNDROME; Kabuki make-up syndrome. Identifiers: Orphanet 2322, MedGen C0796004, MONDO:0016512.

gnomAD v4.1: 2 of 1,613,444 alleles (0.00012%); highest among the groups gnomAD compares: East Asian, 0.0022%; no homozygotes.

Submissions (2):

CeGaT Center for Human Genetics Tuebingen
Classification: Uncertain significance. Last evaluated: 2025-09-01. Review status: criteria provided, single submitter. Criteria: CeGaT Center For Human Genetics Tuebingen Variant Classification Criteria Version 2. Collection method: clinical testing. Allele origin: germline. Affected: yes. Observed: 1 variant allele.
Comment: KMT2D: PM2:Supporting, BP4

Labcorp Genetics (formerly Invitae), Labcorp
Classification: Benign for Kabuki syndrome. Last evaluated: 2025-03-01. Review status: criteria provided, single submitter. Criteria: Invitae Variant Classification Sherloc (09022015). Collection method: clinical testing. Allele origin: germline.

NM_003482.4(KMT2D):c.1221G>C (p.Lys407Asn)

Gene: KMT2D (lysine methyltransferase 2D; minus strand). Cytogenetic location: 12q13.12.
Variant type: single nucleotide variant.
Coding change: c.1221G>C on transcript NM_003482.4 (MANE Select); coding-DNA position 1221, G replaced by C.
Protein change: p.Lys407Asn; replaces lysine 407 with asparagine.
Molecular consequence: missense variant.
Genome position (GRCh38, 1-based): chr12:49,052,601, C>G on the plus strand (G>C on the coding strand, the complement: KMT2D is on the minus strand). VCF-style: chr12-49052601-C-G. GRCh37 (hg19) VCF-style: chr12-49446384-C-G.
Other names: short protein forms K407N.
Identifiers: ClinVar variation 4281294 (VCV004281294.8).